The following is an entry in ClinVar:

NM_004813.4(PEX16):c.829C>T (p.Arg277Trp)

Gene: PEX16 (peroxisomal biogenesis factor 16; minus strand). Cytogenetic location: 11p11.2.
Variant type: single nucleotide variant.
Coding change: c.829C>T on transcript NM_004813.4 (MANE Select); coding-DNA position 829, C replaced by T.
Protein change: p.Arg277Trp; replaces arginine 277 with tryptophan.
Molecular consequence: missense variant.
Genome position (GRCh38, 1-based): chr11:45,913,877, G>A on the plus strand (C>T on the coding strand, the complement: PEX16 is on the minus strand). VCF-style: chr11-45913877-G-A. GRCh37 (hg19) VCF-style: chr11-45935428-G-A.
Other names: c.829C>T, p.Arg277Trp (NM_057174.3); short protein forms R277W.
Identifiers: ClinVar variation 1943605 (VCV001943605.3), dbSNP rs1381800210, ClinGen allele CA16044063.
Genomic context (GRCh38, chr11:45,913,877, plus strand): 5'-ACTCGGAGAAGCGGTCATAGAAAGGAGAGCGCAGCAGGTAGTAGAGCAGCAGGATGGTCC[G>A]GCGCCGCAGCTCCCGCCGCTCCCTCCGGGTCAGGCCCTTTCTGTCACTCAGGAGGCTCAG-3'
Protein context (NP_004804.2, residues 267-287): TRRERRELRR[Arg277Trp]TILLLYYLLR

ClinVar aggregate classification (germline): Conflicting classifications of pathogenicity. Review status: criteria provided, conflicting classifications (1 of 4 stars). 2 submissions from 2 submitters: Likely pathogenic (1); Uncertain significance (1). Last evaluated 2024-03-29.

Conditions:
Peroxisome biogenesis disorder 8B (PBD8B). Identifiers: Orphanet 44, MedGen C3553960, MONDO:0013943, OMIM 614877.
Peroxisome biogenesis disorder. Identifiers: Orphanet 79189, MedGen C1832200, MONDO:0019234. Disease mechanism: loss of function.

Allele frequency attached by ClinVar (database versions not stated): gnomAD 0.00001; gnomAD exomes 0.00001; TOPMed 0.00001.

Submissions (2):

Genomic Medicine Center of Excellence, King Faisal Specialist Hospital and Research Centre
Classification: Likely pathogenic for Peroxisome biogenesis disorder 8B. Last evaluated: 2024-03-29. Review status: criteria provided, single submitter. Criteria: ACMG Guidelines, 2015. Collection method: clinical testing. Allele origin: germline.

Labcorp Genetics (formerly Invitae), Labcorp
Classification: Uncertain significance for Peroxisome biogenesis disorder. Last evaluated: 2021-11-28. Review status: criteria provided, single submitter. Criteria: Invitae Variant Classification Sherloc (09022015). Collection method: clinical testing. Allele origin: germline.
Comment: This sequence change replaces arginine, which is basic and polar, with tryptophan, which is neutral and slightly polar, at codon 277 of the PEX16 protein (p.Arg277Trp). This variant is present in population databases (no rsID available, gnomAD 0.008%). This variant has not been reported in the literature in individuals affected with PEX16-related conditions. Algorithms developed to predict the effect of missense changes on protein structure and function are either unavailable or do not agree on the potential impact of this missense change (SIFT: "Deleterious"; PolyPhen-2: "Probably Damaging"; Align-GVGD: "Class C0"). In summary, the available evidence is currently insufficient to determine the role of this variant in disease. Therefore, it has been classified as a Variant of Uncertain Significance.